The following is an entry in ClinVar:

NM_016222.4(DDX41):c.374-5T>A

Gene: DDX41 (DEAD-box helicase 41; minus strand). Cytogenetic location: 5q35.3.
Variant type: single nucleotide variant.
Coding change: c.374-5T>A on transcript NM_016222.4 (MANE Select); 5 bases into the intron before coding-DNA position 374, T replaced by A.
Molecular consequence: intron variant.
Genome position (GRCh38, 1-based): chr5:177,515,994, A>T on the plus strand (T>A on the coding strand, the complement: DDX41 is on the minus strand). VCF-style: chr5-177515994-A-T. GRCh37 (hg19) VCF-style: chr5-176942995-A-T.
Other names: c.-5-5T>A (NM_001321830.2, NM_001321732.2).
Identifiers: ClinVar variation 4010320 (VCV004010320.1).

ClinVar aggregate classification (germline): Uncertain significance (1 of 4 stars; one submission).

Conditions:
Inborn genetic diseases. Identifiers: MedGen C0950123, MeSH D030342.

Submission:

Ambry Genetics
Classification: Uncertain significance for Inborn genetic diseases. Last evaluated: 2025-05-14. Review status: criteria provided, single submitter. Criteria: Ambry Variant Classification Scheme 2023. Collection method: clinical testing. Allele origin: germline.
Comment: The c.374-5T>A intronic variant results from a T to A substitution 5 nucleotides upstream from coding exon 5 in the DDX41 gene. This nucleotide position is poorly conserved in available vertebrate species. In silico splice site analysis for this alteration is inconclusive. Based on the available evidence, the clinical significance of this variant remains unclear.